The following is an entry in ClinVar:

ClinVar aggregate classification (germline): Uncertain significance. Review status: criteria provided, multiple submitters, no conflicts (2 of 4 stars). 2 submissions from 2 submitters: Uncertain significance (2). Last evaluated 2025-01-08.

Conditions:
Inborn genetic diseases. Identifiers: MedGen C0950123, MeSH D030342.

Allele frequency attached by ClinVar (database versions not stated): gnomAD exomes 0.00008; ExAC 0.00010; TOPMed 0.00014; gnomAD 0.00009.
gnomAD v4.1: 138 of 1,614,130 alleles (0.0085%); highest among the groups gnomAD compares: Middle Eastern, 0.066%; no homozygotes.

Submissions (2):

Ambry Genetics
Classification: Uncertain significance for Inborn genetic diseases. Last evaluated: 2025-01-08. Review status: criteria provided, single submitter. Criteria: Ambry Variant Classification Scheme 2023. Collection method: clinical testing. Allele origin: germline.

Labcorp Genetics (formerly Invitae), Labcorp
Classification: Uncertain significance. Last evaluated: 2024-02-17. Review status: criteria provided, single submitter. Criteria: Invitae Variant Classification Sherloc (09022015). Collection method: clinical testing. Allele origin: germline.
Comment: This sequence change replaces threonine, which is neutral and polar, with isoleucine, which is neutral and non-polar, at codon 658 of the DHX37 protein (p.Thr658Ile). This variant is present in population databases (rs199569663, gnomAD 0.02%). This variant has not been reported in the literature in individuals affected with DHX37-related conditions. ClinVar contains an entry for this variant (Variation ID: 2057772). Advanced modeling of protein sequence and biophysical properties (such as structural, functional, and spatial information, amino acid conservation, physicochemical variation, residue mobility, and thermodynamic stability) performed at Invitae indicates that this missense variant is not expected to disrupt DHX37 protein function with a negative predictive value of 80%. In summary, the available evidence is currently insufficient to determine the role of this variant in disease. Therefore, it has been classified as a Variant of Uncertain Significance.

NM_032656.4(DHX37):c.1973C>T (p.Thr658Ile)

Gene: DHX37 (DEAH-box helicase 37; minus strand). Cytogenetic location: 12q24.31.
Variant type: single nucleotide variant.
Coding change: c.1973C>T on transcript NM_032656.4 (MANE Select); coding-DNA position 1973, C replaced by T.
Protein change: p.Thr658Ile; replaces threonine 658 with isoleucine.
Molecular consequence: missense variant.
Genome position (GRCh38, 1-based): chr12:124,964,466, G>A on the plus strand (C>T on the coding strand, the complement: DHX37 is on the minus strand). VCF-style: chr12-124964466-G-A. GRCh37 (hg19) VCF-style: chr12-125449012-G-A.
Other names: c.1973C>T (NM_032656.3); short protein forms T658I.
Identifiers: ClinVar variation 2057772 (VCV002057772.5), dbSNP rs199569663, ClinGen allele CA6871816.